The following is an entry in ClinVar:

ClinVar aggregate classification (germline): Uncertain significance (1 of 4 stars; one submission).

Conditions:
Developmental and epileptic encephalopathy, 23 (DEE23). Also called: Epileptic encephalopathy, early infantile, 23. Identifiers: Orphanet 411986, MedGen C4014492, MONDO:0014371, OMIM 615859.

Allele frequency attached by ClinVar (database versions not stated): gnomAD 0.00002; gnomAD exomes 0.00002 and 0.00004; ExAC 0.00004; TOPMed 0.00005.
gnomAD v4.1: 58 of 1,613,364 alleles (0.0036%); highest among the groups gnomAD compares: South Asian, 0.0066%; no homozygotes.

Submission:

Labcorp Genetics (formerly Invitae), Labcorp
Classification: Uncertain significance for Developmental and epileptic encephalopathy, 23. Last evaluated: 2023-08-24. Review status: criteria provided, single submitter. Criteria: Invitae Variant Classification Sherloc (09022015). Collection method: clinical testing. Allele origin: germline.
Comment: This sequence change replaces alanine, which is neutral and non-polar, with threonine, which is neutral and polar, at codon 516 of the DOCK7 protein (p.Ala516Thr). This variant is present in population databases (rs775987794, gnomAD 0.02%). This variant has not been reported in the literature in individuals affected with DOCK7-related conditions. ClinVar contains an entry for this variant (Variation ID: 1011553). Advanced modeling of protein sequence and biophysical properties (such as structural, functional, and spatial information, amino acid conservation, physicochemical variation, residue mobility, and thermodynamic stability) performed at Invitae indicates that this missense variant is not expected to disrupt DOCK7 protein function. In summary, the available evidence is currently insufficient to determine the role of this variant in disease. Therefore, it has been classified as a Variant of Uncertain Significance.

NM_001367561.1(DOCK7):c.1546G>A (p.Ala516Thr)

Gene: DOCK7 (dedicator of cytokinesis 7; minus strand). Cytogenetic location: 1p31.3.
Variant type: single nucleotide variant.
Coding change: c.1546G>A on transcript NM_001367561.1 (MANE Select); coding-DNA position 1546, G replaced by A.
Protein change: p.Ala516Thr; replaces alanine 516 with threonine.
Molecular consequence: missense variant.
Genome position (GRCh38, 1-based): chr1:62,618,842, C>T on the plus strand (G>A on the coding strand, the complement: DOCK7 is on the minus strand). VCF-style: chr1-62618842-C-T. GRCh37 (hg19) VCF-style: chr1-63084513-C-T.
Other names: c.1546G>A, p.Ala516Thr (NM_001271999.2, NM_001272000.2, NM_001272001.2 and 3 more transcripts); short protein forms A516T.
Identifiers: ClinVar variation 1011553 (VCV001011553.7), dbSNP rs775987794, ClinGen allele CA886915.